The following is an entry in ClinVar:

NM_004991.4(MECOM):c.3371T>C (p.Leu1124Pro)

Gene: MECOM (MDS1 and EVI1 complex locus; minus strand). Cytogenetic location: 3q26.2.
Variant type: single nucleotide variant.
Coding change: c.3371T>C on transcript NM_004991.4 (MANE Select); coding-DNA position 3371, T replaced by C.
Protein change: p.Leu1124Pro; replaces leucine 1124 with proline.
Molecular consequence: missense variant.
Genome position (GRCh38, 1-based): chr3:169,090,030, A>G on the plus strand (T>C on the coding strand, the complement: MECOM is on the minus strand). VCF-style: chr3-169090030-A-G. GRCh37 (hg19) VCF-style: chr3-168807818-A-G.
Other names: c.3002T>C, p.Leu1001Pro (NM_001105077.4); c.2807T>C, p.Leu936Pro (NM_001105078.4, NM_001205194.2, NM_001366469.2 and 1 more transcripts); c.2783T>C, p.Leu928Pro (NM_001163999.2, NM_001366470.2); c.2780T>C, p.Leu927Pro (NM_001164000.2, NM_001366471.2, NM_001366472.2); c.3344T>C, p.Leu1115Pro (NM_001366466.2); c.2810T>C, p.Leu937Pro (NM_001366467.2, NM_001366468.2); c.2372T>C, p.Leu791Pro (NM_001366473.2); c.1808T>C, p.Leu603Pro (NM_001366474.2); short protein forms L791P, L928P, L937P, L1001P, L603P, L936P, L1115P, L927P.
Identifiers: ClinVar variation 3871598 (VCV003871598.1).
Genomic context (GRCh38, chr3:169,090,030, plus strand): 5'-TTAGTTTCTAAAGTCACCCAAGGTACTCACCTCACTGGGGATGTCTTGCAACTCATCTCC[A>G]GGGCACTGGTTTCTTCATAGTCATCCTCAGGGTTTCCTTCATGTAAATTACTTGTCACTG-3'
Protein context (NP_004982.2, residues 1114-1134): PEDDYEETSA[Leu1124Pro]EMSCKTSPVR

ClinVar aggregate classification (germline): Uncertain significance (1 of 4 stars; one submission).

Conditions:
Inborn genetic diseases. Identifiers: MedGen C0950123, MeSH D030342.

gnomAD v4.1: 3 of 1,613,434 alleles (0.00019%); highest among the groups gnomAD compares: East Asian, 0.0022%; no homozygotes.

Submission:

Ambry Genetics
Classification: Uncertain significance for Inborn genetic diseases. Last evaluated: 2024-12-14. Review status: criteria provided, single submitter. Criteria: Ambry Variant Classification Scheme 2023. Collection method: clinical testing. Allele origin: germline.
Comment: The p.L1124P variant (also known as c.3371T>C), located in coding exon 15 of the MECOM gene, results from a T to C substitution at nucleotide position 3371. The leucine at codon 1124 is replaced by proline, an amino acid with similar properties. This amino acid position is conserved. In addition, this alteration is predicted to be tolerated by in silico analysis. Based on the available evidence, the clinical significance of this variant remains unclear.